The following is an entry in ClinVar:

NM_001876.4(CPT1A):c.589G>T (p.Glu197Ter)

Gene: CPT1A (carnitine palmitoyltransferase 1A; minus strand). Cytogenetic location: 11q13.3.
Variant type: single nucleotide variant.
Coding change: c.589G>T on transcript NM_001876.4 (MANE Select); coding-DNA position 589, G replaced by T.
Protein change: p.Glu197Ter; replaces glutamic acid 197 with a stop codon.
Molecular consequence: nonsense.
Genome position (GRCh38, 1-based): chr11:68,799,322, C>A on the plus strand (G>T on the coding strand, the complement: CPT1A is on the minus strand). VCF-style: chr11-68799322-C-A. GRCh37 (hg19) VCF-style: chr11-68566790-C-A.
Other names: c.589G>T, p.Glu197Ter (NM_001031847.3); c.589G>T (NM_001876.3); short protein forms E197*.
Identifiers: ClinVar variation 1443299 (VCV001443299.9), dbSNP rs1211665230, ClinGen allele CA381635468.

ClinVar aggregate classification (germline): Pathogenic/Likely pathogenic. Review status: criteria provided, multiple submitters, no conflicts (2 of 4 stars). 2 submissions from 2 submitters: Pathogenic (1); Likely pathogenic (1). Last evaluated 2025-05-18.

Conditions:
Carnitine palmitoyl transferase 1A deficiency. Also called: CPT I DEFICIENCY; CPT DEFICIENCY, HEPATIC, TYPE I; CPT deficiency, hepatic, type IA; Carnitine palmitoyltransferase 1A deficiency; Carnitine palmitoyltransferase type I deficiency. Identifiers: Orphanet 156, MedGen C1829703, MONDO:0009705, OMIM 255120.

Allele frequency attached by ClinVar (database versions not stated): TOPMed below 0.00001; gnomAD 0.00001.
gnomAD v4.1: 1 of 1,613,880 alleles (0.000062%); no homozygotes.

Submissions (2):

Natera, Inc.
Classification: Likely pathogenic for Carnitine palmitoyltransferase type I deficiency. Last evaluated: 2025-05-18. Review status: criteria provided, single submitter. Criteria: Natera Variant Classification Schema (03/2026). Collection method: clinical testing. Allele origin: germline.
Comment: The c.589G>T variant in CPT1A is a nonsense variant predicted to introduce a stop codon at amino acid 197. This variant is expected to result in nonsense mediated decay, truncation, or a dysfunctional protein product. This variant is rare in the general population with a frequency below the threshold expected for the associated phenotype(s). Given the available evidence, this variant is classified as Likely Pathogenic.

Labcorp Genetics (formerly Invitae), Labcorp
Classification: Pathogenic for Carnitine palmitoyl transferase 1A deficiency. Last evaluated: 2023-11-19. Review status: criteria provided, single submitter. Criteria: Invitae Variant Classification Sherloc (09022015). Collection method: clinical testing. Allele origin: germline.
Comment: This sequence change creates a premature translational stop signal (p.Glu197*) in the CPT1A gene. It is expected to result in an absent or disrupted protein product. Loss-of-function variants in CPT1A are known to be pathogenic (PMID: 16169268). This variant is not present in population databases (gnomAD no frequency). This variant has not been reported in the literature in individuals affected with CPT1A-related conditions. ClinVar contains an entry for this variant (Variation ID: 1443299). For these reasons, this variant has been classified as Pathogenic.

Literature cited by the submitters: PubMed 16169268 (cited by Labcorp Genetics (formerly Invitae), Labcorp).